The following is an entry in ClinVar:

NM_025099.6(CTC1):c.33+4A>G

Genes: CTC1 (CST telomere replication complex component 1; minus strand), PFAS (phosphoribosylformylglycinamidine synthase; plus strand). Cytogenetic location: 17p13.1.
Variant type: single nucleotide variant.
Coding change: c.33+4A>G on transcript NM_025099.6 (MANE Select); 4 bases into the intron after coding-DNA position 33, A replaced by G.
Molecular consequence: intron variant.
Genome position (GRCh38, 1-based): chr17:8,248,000, T>C on the plus strand (A>G on the coding strand, the complement: CTC1 is on the minus strand). VCF-style: chr17-8248000-T-C. GRCh37 (hg19) VCF-style: chr17-8151318-T-C.
Identifiers: ClinVar variation 955721 (VCV000955721.7), dbSNP rs1988914364, ClinGen allele CA1139665215.

ClinVar aggregate classification (germline): Uncertain significance (1 of 4 stars; one submission).

Conditions:
Dyskeratosis congenita. Identifiers: Orphanet 1775, MedGen C0265965, MONDO:0015780.

Submission:

Labcorp Genetics (formerly Invitae), Labcorp
Classification: Uncertain significance for Dyskeratosis congenita. Last evaluated: 2022-08-16. Review status: criteria provided, single submitter. Criteria: Invitae Variant Classification Sherloc (09022015). Collection method: clinical testing. Allele origin: germline.
Comment: In summary, the available evidence is currently insufficient to determine the role of this variant in disease. Therefore, it has been classified as a Variant of Uncertain Significance. Variants that disrupt the consensus splice site are a relatively common cause of aberrant splicing (PMID: 17576681, 9536098). Algorithms developed to predict the effect of sequence changes on RNA splicing suggest that this variant may disrupt the consensus splice site. ClinVar contains an entry for this variant (Variation ID: 955721). This variant has not been reported in the literature in individuals affected with CTC1-related conditions. This variant is not present in population databases (gnomAD no frequency). This sequence change falls in intron 1 of the CTC1 gene. It does not directly change the encoded amino acid sequence of the CTC1 protein. It affects a nucleotide within the consensus splice site.

Literature cited by the submitters: PubMed 17576681; PubMed 9536098.